The following is an entry in ClinVar:

ClinVar aggregate classification (germline): Uncertain significance. Review status: criteria provided, multiple submitters, no conflicts (2 of 4 stars). 6 submissions from 6 submitters: Uncertain significance (6). Last evaluated 2026-01-18.

Conditions:
HOXB13-related disorder. Also called: HOXB13-related disorders; HOXB13-related condition.
Hereditary cancer-predisposing syndrome. Also called: Neoplastic Syndromes, Hereditary; Hereditary Cancer Syndrome; Tumor predisposition; Hereditary neoplastic syndrome. Identifiers: Orphanet 140162, MedGen C0027672, MeSH D009386, MONDO:0015356.
Prostate cancer, hereditary, 9 (HPC9). Identifiers: Orphanet 1331, MedGen C1970250, MONDO:0012597, OMIM 610997.

Allele frequency attached by ClinVar (database versions not stated): gnomAD 0.00003; gnomAD exomes 0.00003 and 0.00004; TOPMed 0.00003.

Submissions (6):

Labcorp Genetics (formerly Invitae), Labcorp
Classification: Uncertain significance. Last evaluated: 2026-01-18. Review status: criteria provided, single submitter. Criteria: Invitae Variant Classification Sherloc (09022015). Collection method: clinical testing. Allele origin: germline.
Comment: This sequence change replaces alanine, which is neutral and non-polar, with valine, which is neutral and non-polar, at codon 210 of the HOXB13 protein (p.Ala210Val). This variant is present in population databases (rs758190709, gnomAD 0.006%). This variant has not been reported in the literature in individuals affected with HOXB13-related conditions. ClinVar contains an entry for this variant (Variation ID: 826307). Invitae Evidence Modeling of protein sequence and biophysical properties (such as structural, functional, and spatial information, amino acid conservation, physicochemical variation, residue mobility, and thermodynamic stability) indicates that this missense variant is not expected to disrupt HOXB13 protein function with a negative predictive value of 80%. In summary, the available evidence is currently insufficient to determine the role of this variant in disease. Therefore, it has been classified as a Variant of Uncertain Significance.

Ambry Genetics
Classification: Uncertain significance for Hereditary cancer-predisposing syndrome. Last evaluated: 2025-12-14. Review status: criteria provided, single submitter. Criteria: Ambry Variant Classification Scheme 2023. Collection method: clinical testing. Allele origin: germline.
Comment: The p.A210V variant (also known as c.629C>T), located in coding exon 2 of the HOXB13 gene, results from a C to T substitution at nucleotide position 629. The alanine at codon 210 is replaced by valine, an amino acid with similar properties. In one case-control study, this alteration was not detected in 1843 men diagnosed with prostate cancer and was identified in 1/2225 male control subjects without prostate cancer (Akbari MR et al. J. Natl. Cancer Inst. 2012 Aug;104(16):1260-2). This amino acid position is poorly conserved in available vertebrate species. In addition, this alteration is predicted to be tolerated by in silico analysis. Since supporting evidence is limited at this time, the clinical significance of this alteration remains unclear.

PreventionGenetics, part of Exact Sciences
Classification: Uncertain significance for HOXB13-related condition. Last evaluated: 2025-05-13. Review status: criteria provided, single submitter. Criteria: ACMG Guidelines, 2015. Collection method: clinical testing. Allele origin: germline.
Comment: The HOXB13 c.629C>T variant is predicted to result in the amino acid substitution p.Ala210Val. This variant has been reported in a prostate cancer case-control study and was found in an individual without history of cancer (Akbari et al. 2012. PubMed ID: 22781434). This variant is reported in 0.0062% of alleles in individuals of European (Non-Finnish) descent in gnomAD and is interpreted as variant of uncertain significance in ClinVar. At this time, the clinical significance of this variant is uncertain due to the absence of conclusive functional and genetic evidence.

Molecular Pathology, Peter Maccallum Cancer Centre
Classification: Uncertain significance for Prostate cancer, hereditary, 9. Last evaluated: 2024-11-13. Review status: criteria provided, single submitter. Criteria: ACMG Guidelines, 2015. Collection method: clinical testing. Allele origin: germline. Inheritance: Autosomal dominant inheritance.

GeneDx
Classification: Uncertain significance. Last evaluated: 2023-08-15. Review status: criteria provided, single submitter. Criteria: GeneDx Variant Classification Process June 2021. Collection method: clinical testing. Allele origin: germline. Affected: yes.
Comment: In silico analysis supports that this missense variant does not alter protein structure/function; Observed in controls and not observed in any prostate cancer patients (Akbari et al., 2012); This variant is associated with the following publications: (PMID: 19389631, 22781434)

Department of Pathology and Laboratory Medicine, Sinai Health System
Classification: Uncertain significance for Prostate cancer, hereditary, 9. Last evaluated: 2021-05-21. Review status: criteria provided, single submitter. Criteria: ACMG Guidelines, 2015. Collection method: clinical testing. Allele origin: germline. Affected: yes.

Literature cited by the submitters: PubMed 22781434 (cited by Department of Pathology and Laboratory Medicine, Sinai Health System).

NM_006361.6(HOXB13):c.629C>T (p.Ala210Val)

Gene: HOXB13 (homeobox B13; minus strand). Cytogenetic location: 17q21.32.
Variant type: single nucleotide variant.
Coding change: c.629C>T on transcript NM_006361.6 (MANE Select); coding-DNA position 629, C replaced by T.
Protein change: p.Ala210Val; replaces alanine 210 with valine.
Molecular consequence: missense variant.
Genome position (GRCh38, 1-based): chr17:48,727,016, G>A on the plus strand (C>T on the coding strand, the complement: HOXB13 is on the minus strand). VCF-style: chr17-48727016-G-A. GRCh37 (hg19) VCF-style: chr17-46804378-G-A.
Other names: short protein forms A210V.
Identifiers: ClinVar variation 826307 (VCV000826307.18), dbSNP rs758190709, ClinGen allele CA291349243.
Genomic context (GRCh38, chr17:48,727,016, plus strand): 5'-TCCCGCAACTGCCCCTTGCTGTACGGAATGCGTTTCTTGCGGCCGCGACGAAAGGCGCAG[G>A]CGTCAGGAGGGTGCTGCCCGCTGGAGTCTGCGCGGCGTGAAAGGGAGGGAGGAAAAGGCA-3'
Protein context (NP_006352.2, residues 200-220): ADSSGQHPPD[Ala210Val]CAFRRGRKKR